The following is an entry in ClinVar:

ClinVar aggregate classification (germline): Uncertain significance (1 of 4 stars; one submission).

Submission:

Labcorp Genetics (formerly Invitae), Labcorp
Classification: Uncertain significance. Last evaluated: 2025-10-21. Review status: criteria provided, single submitter. Criteria: Invitae Variant Classification Sherloc (09022015). Collection method: clinical testing. Allele origin: germline.
Comment: This sequence change replaces proline, which is neutral and non-polar, with serine, which is neutral and polar, at codon 1586 of the TOP2B protein (p.Pro1586Ser). This variant is not present in population databases (gnomAD no frequency). This variant has not been reported in the literature in individuals affected with TOP2B-related conditions. An algorithm developed to predict the effect of missense changes on protein structure and function (PolyPhen-2) suggests that this variant is likely to be tolerated. In summary, the available evidence is currently insufficient to determine the role of this variant in disease. Therefore, it has been classified as a Variant of Uncertain Significance.

NM_001330700.2(TOP2B):c.4771C>T (p.Pro1591Ser)

Gene: TOP2B (DNA topoisomerase II beta; minus strand). Cytogenetic location: 3p24.2.
Variant type: single nucleotide variant.
Coding change: c.4771C>T on transcript NM_001330700.2 (MANE Select); coding-DNA position 4771, C replaced by T.
Protein change: p.Pro1591Ser; replaces proline 1591 with serine.
Molecular consequence: missense variant.
Genome position (GRCh38, 1-based): chr3:25,598,417, G>A on the plus strand (C>T on the coding strand, the complement: TOP2B is on the minus strand). VCF-style: chr3-25598417-G-A. GRCh37 (hg19) VCF-style: chr3-25639908-G-A.
Other names: c.4756C>T, p.Pro1586Ser (NM_001068.3); short protein forms P1586S, P1591S.
Identifiers: ClinVar variation 4697176 (VCV004697176.1).
Genomic context (GRCh38, chr3:25,598,417, plus strand): 5'-CAAAATATTTTACTTCTTTCCTAGCCCGACCGGTTCGTGGCAGAGAAGGTGGCTCAGTAG[G>A]GAAGTCTGAGGGGAAGATGTCCACATCTGAATCCTGATCAAAAGATGTCTTCTTCGGTTT-3'
Protein context (NP_001317629.1, residues 1581-1601): SDVDIFPSDF[Pro1591Ser]TEPPSLPRTG